The following is an entry in ClinVar:

ClinVar aggregate classification (germline): Uncertain significance (1 of 4 stars; one submission).

gnomAD v4.1: 1 of 1,614,182 alleles (0.000062%); highest among the groups gnomAD compares: Non-Finnish European, 0.000085%; no homozygotes.

Submission:

Ambry Genetics
Classification: Uncertain significance. Last evaluated: 2024-08-07. Review status: criteria provided, single submitter. Criteria: Ambry Variant Classification Scheme 2023. Collection method: clinical testing. Allele origin: germline.
Comment: The p.M442L variant (also known as c.1324A>T), located in coding exon 12 of the RAD54L gene, results from an A to T substitution at nucleotide position 1324. The methionine at codon 442 is replaced by leucine, an amino acid with highly similar properties. This amino acid position is conserved. In addition, this alteration is predicted to be tolerated by in silico analysis. Based on the available evidence, the clinical significance of this variant remains unclear.

NM_003579.4(RAD54L):c.1324A>T (p.Met442Leu)

Gene: RAD54L (RAD54 like; plus strand). Cytogenetic location: 1p34.1.
Variant type: single nucleotide variant.
Coding change: c.1324A>T on transcript NM_003579.4 (MANE Select); coding-DNA position 1324, A replaced by T.
Protein change: p.Met442Leu; replaces methionine 442 with leucine.
Molecular consequence: missense variant.
Genome position (GRCh38, 1-based): chr1:46,272,751, A>T. VCF-style: chr1-46272751-A-T. GRCh37 (hg19) VCF-style: chr1-46738423-A-T.
Other names: c.1324A>T, p.Met442Leu (NM_001142548.2); c.784A>T, p.Met262Leu (NM_001370766.1); short protein forms M262L, M442L.
Identifiers: ClinVar variation 3429799 (VCV003429799.1).